The following is an entry in ClinVar:

ClinVar aggregate classification (germline): Benign/Likely benign. Review status: criteria provided, multiple submitters, no conflicts (2 of 4 stars). 2 submissions from 2 submitters: Benign (1); Likely benign (1). Last evaluated 2026-07-02.

Conditions:
Sessile serrated polyposis cancer syndrome (SSPCS). Identifiers: Orphanet 157798, MedGen C4310714, MONDO:0014919, OMIM 617108.

Submissions (2):

Myriad Genetics, Inc.
Classification: Benign for Sessile serrated polyposis cancer syndrome. Last evaluated: 2026-07-02. Review status: criteria provided, single submitter. Criteria: Myriad Autosomal Dominant, Autosomal Recessive and X-Linked Classification Criteria (2023). Collection method: clinical testing. Allele origin: unknown.
Comment: This variant is considered benign. This variant is a silent/synonymous amino acid change and it is not expected to impact splicing.

Ambry Genetics
Classification: Likely benign. Last evaluated: 2026-01-05. Review status: criteria provided, single submitter. Criteria: Ambry Variant Classification Scheme 2023. Collection method: clinical testing. Allele origin: germline.

NM_017763.6(RNF43):c.2125A>C (p.Arg709=)

Gene: RNF43 (ring finger protein 43; minus strand). Cytogenetic location: 17q22.
Variant type: single nucleotide variant.
Coding change: c.2125A>C on transcript NM_017763.6 (MANE Select); coding-DNA position 2125, A replaced by C.
Protein change: p.Arg709=; no amino-acid change (arginine 709 retained).
Molecular consequence: synonymous variant.
Genome position (GRCh38, 1-based): chr17:58,357,651, T>G on the plus strand (A>C on the coding strand, the complement: RNF43 is on the minus strand). VCF-style: chr17-58357651-T-G. GRCh37 (hg19) VCF-style: chr17-56435012-T-G.
Other names: c.2125A>C, p.Arg709= (NM_001305544.3, NM_001438820.1, NM_001438821.1 and 1 more transcripts); c.1744A>C, p.Arg582= (NM_001305545.2, NM_001437987.1).
Identifiers: ClinVar variation 4841972 (VCV004841972.2).